The following is an entry in ClinVar:

NM_015378.4(VPS13D):c.10552C>T (p.Arg3518Ter)

Gene: VPS13D (vacuolar protein sorting 13 homolog D; plus strand). Cytogenetic location: 1p36.22.
Variant type: single nucleotide variant.
Coding change: c.10552C>T on transcript NM_015378.4 (MANE Select); coding-DNA position 10552, C replaced by T.
Protein change: p.Arg3518Ter; replaces arginine 3518 with a stop codon.
Molecular consequence: nonsense.
Genome position (GRCh38, 1-based): chr1:12,368,571, C>T. VCF-style: chr1-12368571-C-T. GRCh37 (hg19) VCF-style: chr1-12428626-C-T.
Other names: p.Arg3518*; c.10477C>T, p.Arg3493Ter (NM_018156.4); short protein forms R3493*, R3518*.
Identifiers: ClinVar variation 2584487 (VCV002584487.2), dbSNP rs752094174, ClinGen allele CA603719.
Genomic context (GRCh38, chr1:12,368,571, plus strand): 5'-CTCCGAGGAGCTACGTATAGGATCTCATTTAGTGACACAGATCAGTTACCTCCTCCTTTC[C>T]GAATTGACAACTTTTCTAAGGTATCAAGTGGAGCTGAGAGCCAGTTTGACTGTTTCATGT-3'

ClinVar aggregate classification (germline): Likely pathogenic. Review status: criteria provided, multiple submitters, no conflicts (2 of 4 stars). 2 submissions from 2 submitters: Likely pathogenic (2). Last evaluated 2025-08-07.

Conditions:
Spinocerebellar atrophy. Also called: Spinocerebellar ataxia. Identifiers: MedGen C0087012, MeSH D020754, HP:0007263.

Allele frequency attached by ClinVar (database versions not stated): TOPMed below 0.00001; ExAC 0.00001; gnomAD 0.00001; gnomAD exomes 0.00001.
gnomAD v4.1: 8 of 1,612,838 alleles (0.0005%); highest among the groups gnomAD compares: Admixed American, 0.0017%; no homozygotes.

Submissions (2):

Mayo Clinic Laboratories, Mayo Clinic
Classification: Likely pathogenic. Last evaluated: 2025-08-07. Review status: criteria provided, single submitter. Criteria: ACMG Guidelines, 2015. Collection method: clinical testing. Allele origin: germline. Observed: 1 variant allele.
Comment: PM2_supporting, PVS1

Rady Children's Institute for Genomic Medicine, Rady Children's Hospital San Diego
Classification: Likely pathogenic for Spinocerebellar ataxia. Review status: criteria provided, single submitter. Criteria: ACMG Guidelines, 2015. Collection method: clinical testing. Allele origin: germline. Affected: yes.
Comment: This nonsense variant found in exon 53 of 70 is predicted to result in loss of normal protein function through either protein truncation or nonsense-mediated mRNA decay (NMD). This variant has not been previously reported as a disease-causing change in the literature; however, it has been reported as a mosaic heterozygous change in an individual with autism spectrum disorder but pathogenicity was not determined (PMID: 28867142). The c.10552C>T (p.Arg3518Ter) variant is present in the heterozygous state in the gnomAD population database at a frequency of 0.001% (3/250098) and is absent in the homozygous state, thus is presumed to be rare. Based on the available evidence, the c.10552C>T (p.Arg3518Ter) variant is classified as Likely Pathogenic.

Literature cited by the submitters: PubMed 28867142 (cited by Mayo Clinic Laboratories, Mayo Clinic).